The following is an entry in ClinVar:

NM_006231.4(POLE):c.568C>G (p.Leu190Val)

Gene: POLE (DNA polymerase epsilon, catalytic subunit; minus strand). Cytogenetic location: 12q24.33.
Variant type: single nucleotide variant.
Coding change: c.568C>G on transcript NM_006231.4 (MANE Select); coding-DNA position 568, C replaced by G.
Protein change: p.Leu190Val; replaces leucine 190 with valine.
Molecular consequence: missense variant.
Genome position (GRCh38, 1-based): chr12:132,679,507, G>C on the plus strand (C>G on the coding strand, the complement: POLE is on the minus strand). VCF-style: chr12-132679507-G-C. GRCh37 (hg19) VCF-style: chr12-133256093-G-C.
Other names: short protein forms L190V.
Identifiers: ClinVar variation 1353149 (VCV001353149.6), dbSNP rs776647660, ClinGen allele CA387366651.
Genomic context (GRCh38, chr12:132,679,507, plus strand): 5'-ATCTTGTCGTTCTGAACCGCTGATGCTTTGCTCACAAGACCAAAGTTTACCTGGAAAGCA[G>C]AGCTGTGTACGCGTCGCTGGCGTGATCCTGCTCCCTGTTCTTCTTCACGGCAGGGGAGAT-3'
Protein context (NP_006222.2, residues 180-200): QDHASDAYTA[Leu190Val]LSSVLQRGGV

ClinVar aggregate classification (germline): Uncertain significance (1 of 4 stars; one submission).

gnomAD v4.1: 4 of 1,607,884 alleles (0.00025%); highest among the groups gnomAD compares: Non-Finnish European, 0.00034%; no homozygotes.

Submission:

Labcorp Genetics (formerly Invitae), Labcorp
Classification: Uncertain significance. Last evaluated: 2021-11-23. Review status: criteria provided, single submitter. Criteria: Invitae Variant Classification Sherloc (09022015). Collection method: clinical testing. Allele origin: germline.
Comment: This sequence change replaces leucine, which is neutral and non-polar, with valine, which is neutral and non-polar, at codon 190 of the POLE protein (p.Leu190Val). This variant is not present in population databases (gnomAD no frequency). This variant has not been reported in the literature in individuals affected with POLE-related conditions. Algorithms developed to predict the effect of missense changes on protein structure and function (SIFT, PolyPhen-2, Align-GVGD) all suggest that this variant is likely to be tolerated. In summary, the available evidence is currently insufficient to determine the role of this variant in disease. Therefore, it has been classified as a Variant of Uncertain Significance.